The following is an entry in ClinVar:

NM_000257.4(MYH7):c.161G>C (p.Arg54Pro)

Gene: MYH7 (myosin heavy chain 7; minus strand). Cytogenetic location: 14q11.2.
Variant type: single nucleotide variant.
Coding change: c.161G>C on transcript NM_000257.4 (MANE Select); coding-DNA position 161, G replaced by C.
Protein change: p.Arg54Pro; replaces arginine 54 with proline.
Molecular consequence: missense variant.
Genome position (GRCh38, 1-based): chr14:23,433,572, C>G on the plus strand (G>C on the coding strand, the complement: MYH7 is on the minus strand). VCF-style: chr14-23433572-C-G. GRCh37 (hg19) VCF-style: chr14-23902781-C-G.
Other names: c.161G>C (LRG_384t1); short protein forms R54P.
Identifiers: ClinVar variation 521789 (VCV000521789.11), dbSNP rs397516117, ClinGen allele CA389053702.

ClinVar aggregate classification (germline): Uncertain significance. Review status: criteria provided, multiple submitters, no conflicts (2 of 4 stars). 3 submissions from 3 submitters: Uncertain significance (3). Last evaluated 2024-05-14.

Conditions:
Inborn genetic diseases. Identifiers: MedGen C0950123, MeSH D030342.
Hypertrophic cardiomyopathy. Also called: HYPERTROPHIC MYOCARDIOPATHY. Identifiers: Orphanet 217569, MedGen C0007194, MeSH D002312, MONDO:0005045, HP:0001639.

Submissions (3):

Labcorp Genetics (formerly Invitae), Labcorp
Classification: Uncertain significance for Hypertrophic cardiomyopathy. Last evaluated: 2024-05-14. Review status: criteria provided, single submitter. Criteria: Invitae Variant Classification Sherloc (09022015). Collection method: clinical testing. Allele origin: germline.
Comment: This sequence change replaces arginine, which is basic and polar, with proline, which is neutral and non-polar, at codon 54 of the MYH7 protein (p.Arg54Pro). This variant is not present in population databases (gnomAD no frequency). This variant has not been reported in the literature in individuals affected with MYH7-related conditions. ClinVar contains an entry for this variant (Variation ID: 521789). Advanced modeling of protein sequence and biophysical properties (such as structural, functional, and spatial information, amino acid conservation, physicochemical variation, residue mobility, and thermodynamic stability) performed at Invitae indicates that this missense variant is expected to disrupt MYH7 protein function with a positive predictive value of 95%. In summary, the available evidence is currently insufficient to determine the role of this variant in disease. Therefore, it has been classified as a Variant of Uncertain Significance.

GeneDx
Classification: Uncertain significance. Last evaluated: 2022-10-24. Review status: criteria provided, single submitter. Criteria: GeneDx Variant Classification Process June 2021. Collection method: clinical testing. Allele origin: germline. Affected: yes.
Comment: Has not been previously published as pathogenic or benign to our knowledge; Not observed at significant frequency in large population cohorts (gnomAD); In silico analysis supports that this missense variant has a deleterious effect on protein structure/function; This variant is associated with the following publications: (PMID: 8614836)

Ambry Genetics
Classification: Uncertain significance for Inborn genetic diseases. Last evaluated: 2017-05-15. Review status: criteria provided, single submitter. Criteria: Ambry exome assertion method (8-5-2015). Collection method: clinical testing. Allele origin: germline. Affected: yes. Observed: 1 variant allele.